The following is an entry in ClinVar:

NM_001099271.2(POC5):c.1141A>C (p.Thr381Pro)

Gene: POC5 (POC5 centriolar protein; minus strand). Cytogenetic location: 5q13.3.
Variant type: single nucleotide variant.
Coding change: c.1141A>C on transcript NM_001099271.2 (MANE Select); coding-DNA position 1141, A replaced by C.
Protein change: p.Thr381Pro; replaces threonine 381 with proline.
Molecular consequence: missense variant.
Genome position (GRCh38, 1-based): chr5:75,685,473, T>G on the plus strand (A>C on the coding strand, the complement: POC5 is on the minus strand). VCF-style: chr5-75685473-T-G. GRCh37 (hg19) VCF-style: chr5-74981298-T-G.
Other names: c.1066A>C, p.Thr356Pro (NM_152408.3); short protein forms T356P, T381P.
Identifiers: ClinVar variation 3700322 (VCV003700322.2).

ClinVar aggregate classification (germline): Uncertain significance (1 of 4 stars; one submission).

gnomAD v4.1: 6 of 1,610,452 alleles (0.00037%); highest among the groups gnomAD compares: Non-Finnish European, 0.00051%; no homozygotes.

Submission:

Labcorp Genetics (formerly Invitae), Labcorp
Classification: Uncertain significance. Last evaluated: 2024-04-30. Review status: criteria provided, single submitter. Criteria: Invitae Variant Classification Sherloc (09022015). Collection method: clinical testing. Allele origin: germline.
Comment: This sequence change replaces threonine, which is neutral and polar, with proline, which is neutral and non-polar, at codon 381 of the POC5 protein (p.Thr381Pro). This variant is present in population databases (no rsID available, gnomAD 0.002%). This variant has not been reported in the literature in individuals affected with POC5-related conditions. Algorithms developed to predict the effect of missense changes on protein structure and function output the following: SIFT: "Not Available"; PolyPhen-2: "Probably Damaging"; Align-GVGD: "Not Available". The proline amino acid residue is found in multiple mammalian species, which suggests that this missense change does not adversely affect protein function. In summary, the available evidence is currently insufficient to determine the role of this variant in disease. Therefore, it has been classified as a Variant of Uncertain Significance.